The following is an entry in ClinVar:

NM_001112741.2(KCNC1):c.451A>T (p.Met151Leu)

Gene: KCNC1 (potassium voltage-gated channel subfamily C member 1; plus strand). Cytogenetic location: 11p15.1.
Variant type: single nucleotide variant.
Coding change: c.451A>T on transcript NM_001112741.2 (MANE Select); coding-DNA position 451, A replaced by T.
Protein change: p.Met151Leu; replaces methionine 151 with leucine.
Molecular consequence: missense variant.
Genome position (GRCh38, 1-based): chr11:17,736,453, A>T. VCF-style: chr11-17736453-A-T. GRCh37 (hg19) VCF-style: chr11-17758000-A-T.
Other names: c.451A>T (NM_001112741.1); c.451A>T, p.Met151Leu (NM_004976.4); short protein forms M151L.
Identifiers: ClinVar variation 4742626 (VCV004742626.2).

ClinVar aggregate classification (germline): Uncertain significance. Review status: criteria provided, multiple submitters, no conflicts (2 of 4 stars). 2 submissions from 2 submitters: Uncertain significance (2). Last evaluated 2026-04-11.

Conditions:
Progressive myoclonic epilepsy type 7. Identifiers: Orphanet 435438, MedGen C4015420, MONDO:0014521, OMIM 616187.

Submissions (2):

GeneDx
Classification: Uncertain significance. Last evaluated: 2026-04-11. Review status: criteria provided, single submitter. Criteria: GeneDx Variant Classification Process June 2021. Collection method: clinical testing. Allele origin: germline.
Comment: Not observed at significant frequency in large population cohorts (gnomAD); In silico analysis suggests that this missense variant does not alter protein structure/function; Has not been previously published as pathogenic or benign to our knowledge

Labcorp Genetics (formerly Invitae), Labcorp
Classification: Uncertain significance for Progressive myoclonic epilepsy type 7. Last evaluated: 2025-08-11. Review status: criteria provided, single submitter. Criteria: Invitae Variant Classification Sherloc (09022015). Collection method: clinical testing. Allele origin: germline.
Comment: This sequence change replaces methionine, which is neutral and non-polar, with leucine, which is neutral and non-polar, at codon 151 of the KCNC1 protein (p.Met151Leu). This variant is not present in population databases (gnomAD no frequency). This variant has not been reported in the literature in individuals affected with KCNC1-related conditions. Invitae Evidence Modeling of protein sequence and biophysical properties (such as structural, functional, and spatial information, amino acid conservation, physicochemical variation, residue mobility, and thermodynamic stability) indicates that this missense variant is not expected to disrupt KCNC1 protein function with a negative predictive value of 95%. In summary, the available evidence is currently insufficient to determine the role of this variant in disease. Therefore, it has been classified as a Variant of Uncertain Significance.